The following is an entry in ClinVar:

NC_000006.11:g.(?_3104439)_(3157697_?)dup

Genes: BPHL (biphenyl hydrolase like; plus strand), RIPK1 (receptor interacting serine/threonine kinase 1; plus strand), TUBB2A (tubulin beta 2A class IIa; minus strand). Cytogenetic location: 6p25.2.
Variant type: Duplication.
Identifiers: ClinVar variation 2424766 (VCV002424766.4).

ClinVar aggregate classification (germline): Uncertain significance (1 of 4 stars; one submission).

Submission:

Labcorp Genetics (formerly Invitae), Labcorp
Classification: Uncertain significance. Last evaluated: 2022-06-22. Review status: criteria provided, single submitter. Criteria: Invitae Variant Classification Sherloc (09022015). Collection method: clinical testing. Allele origin: germline.
Comment: In summary, the available evidence is currently insufficient to determine the role of this variant in disease. Therefore, it has been classified as a Variant of Uncertain Significance. Experimental studies and prediction algorithms are not available or were not evaluated, and the functional significance of this variant is currently unknown. This variant has not been reported in the literature in individuals affected with RIPK1-related conditions. This variant results in a copy number gain of the genomic region encompassing exon(s) 8-11 of the RIPK1 gene. This region includes the termination codon of the gene. This copy number gain extends beyond the assayed region for this gene and therefore may encompass additional genes. As the precise location of this event is unknown, it may be in tandem or it may be located elsewhere in the genome.